The following is an entry in ClinVar:

ClinVar aggregate classification (germline): Uncertain significance (1 of 4 stars; one submission).

Allele frequency attached by ClinVar (database versions not stated): gnomAD exomes below 0.00001 and 0.00002; gnomAD 0.00001 and 0.00002; ExAC 0.00003; TOPMed 0.00004; ESP Exome Variant Server 0.00015; 1000 Genomes Project 0.00020; 1000 Genomes Project 30x 0.00031.
gnomAD v4.1: 6 of 1,614,128 alleles (0.00037%); highest among the groups gnomAD compares: African/African-American, 0.008%; no homozygotes.

Submission:

GeneDx
Classification: Uncertain significance. Last evaluated: 2014-07-30. Review status: criteria provided, single submitter. Criteria: GeneDx Variant Classification (06012015). Collection method: clinical testing. Allele origin: germline. Affected: yes.
Comment: Missense variants in the TTN gene are considered 'unclassified' if they are not previously reported in the literature and do not have >1% frequency in the population to be considered a polymorphism. Research indicates that truncating mutations in the TTN gene are expected to account for approximately 25% of familial and 18% of sporadic idiopathic DCM; however, truncating variants in the TTN gene have been reported in approximately 3% of reported control alleles. There has been little investigation into non-truncating variants. (Herman D et al. Truncations of titin causing dilated cardiomyopathy. N Eng J Med 366:619-628, 2012) The variant is found in CARDIOMYOPATHY panel(s).

NM_001267550.2(TTN):c.8596G>A (p.Ala2866Thr)

Gene: TTN (titin; minus strand). Cytogenetic location: 2q31.2.
Variant type: single nucleotide variant.
Coding change: c.8596G>A on transcript NM_001267550.2 (MANE Select); coding-DNA position 8596, G replaced by A.
Protein change: p.Ala2866Thr; replaces alanine 2866 with threonine.
Molecular consequence: missense variant.
Genome position (GRCh38, 1-based): chr2:178,770,105, C>T on the plus strand (G>A on the coding strand, the complement: TTN is on the minus strand). VCF-style: chr2-178770105-C-T. GRCh37 (hg19) VCF-style: chr2-179634832-C-T.
Other names: p.A2866T:GCT>ACT; c.8596G>A, p.Ala2866Thr (NM_001256850.1, NM_133378.4, NM_133379.5); c.8458G>A, p.Ala2820Thr (NM_003319.4, NM_133432.3, NM_133437.4); short protein forms A2866T, A2820T.
Identifiers: ClinVar variation 203161 (VCV000203161.2), dbSNP rs147174853, ClinGen allele CA311515.